The following is an entry in ClinVar:

ClinVar aggregate classification (germline): Uncertain significance (1 of 4 stars; one submission).

Submission:

Labcorp Genetics (formerly Invitae), Labcorp
Classification: Uncertain significance. Last evaluated: 2022-07-12. Review status: criteria provided, single submitter. Criteria: Invitae Variant Classification Sherloc (09022015). Collection method: clinical testing. Allele origin: germline.
Comment: In summary, the available evidence is currently insufficient to determine the role of this variant in disease. Therefore, it has been classified as a Variant of Uncertain Significance. Algorithms developed to predict the effect of missense changes on protein structure and function output the following: SIFT: "Tolerated"; PolyPhen-2: "Benign"; Align-GVGD: "Class C0". The proline amino acid residue is found in multiple mammalian species, which suggests that this missense change does not adversely affect protein function. ClinVar contains an entry for this variant (Variation ID: 1022276). This variant has not been reported in the literature in individuals affected with GPR179-related conditions. This variant is not present in population databases (gnomAD no frequency). This sequence change replaces leucine, which is neutral and non-polar, with proline, which is neutral and non-polar, at codon 1972 of the GPR179 protein (p.Leu1972Pro).

NM_001004334.4(GPR179):c.5915T>C (p.Leu1972Pro)

Gene: GPR179 (G protein-coupled receptor 179; minus strand). Cytogenetic location: 17q12.
Variant type: single nucleotide variant.
Coding change: c.5915T>C on transcript NM_001004334.4 (MANE Select); coding-DNA position 5915, T replaced by C.
Protein change: p.Leu1972Pro; replaces leucine 1972 with proline.
Molecular consequence: missense variant.
Genome position (GRCh38, 1-based): chr17:38,327,654, A>G on the plus strand (T>C on the coding strand, the complement: GPR179 is on the minus strand). VCF-style: chr17-38327654-A-G. GRCh37 (hg19) VCF-style: chr17-36483537-A-G.
Other names: short protein forms L1972P.
Identifiers: ClinVar variation 1022276 (VCV001022276.8), dbSNP rs1597661488, ClinGen allele CA398870584.